The following is an entry in ClinVar:

NM_006445.4(PRPF8):c.1209C>T (p.Ala403=)

Gene: PRPF8 (pre-mRNA processing factor 8; minus strand). Cytogenetic location: 17p13.3.
Variant type: single nucleotide variant.
Coding change: c.1209C>T on transcript NM_006445.4 (MANE Select); coding-DNA position 1209, C replaced by T.
Protein change: p.Ala403=; no amino-acid change (alanine 403 retained).
Molecular consequence: synonymous variant.
Genome position (GRCh38, 1-based): chr17:1,679,689, G>A on the plus strand (C>T on the coding strand, the complement: PRPF8 is on the minus strand). VCF-style: chr17-1679689-G-A. GRCh37 (hg19) VCF-style: chr17-1582983-G-A.
Identifiers: ClinVar variation 4822810 (VCV004822810.4).
Genomic context (GRCh38, chr17:1,679,689, plus strand): 5'-GTCCAGGGCCCGACGGGTGCGACCAGAGCGTAGGTTGAAGGGCCGCGGGGCCCAGAGCAG[G>A]GCAATGCCATTGGCTGTATTGTCTGTATAGAGGGGTGTGTCCTTCAGGAAGGGCTCCACA-3'
Protein context (NP_006436.3, residues 393-413): LYTDNTANGI[Ala403=]LLWAPRPFNL

ClinVar aggregate classification (germline): Likely benign (1 of 4 stars; one submission).

gnomAD v4.1: 9 of 1,614,198 alleles (0.00056%); highest among the groups gnomAD compares: Admixed American, 0.0017%; no homozygotes.

Submission:

CeGaT Center for Human Genetics Tuebingen
Classification: Likely benign. Last evaluated: 2025-12-01. Review status: criteria provided, single submitter. Criteria: CeGaT Center For Human Genetics Tuebingen Variant Classification Criteria Version 2. Collection method: clinical testing. Allele origin: germline. Affected: yes. Observed: 1 variant allele.
Comment: PRPF8: BP4, BP7